The following is an entry in ClinVar:

ClinVar aggregate classification (germline): Benign/Likely benign. Review status: criteria provided, multiple submitters, no conflicts (2 of 4 stars). 3 submissions from 3 submitters: Benign (1); Likely benign (2). Last evaluated 2025-10-24.

Conditions:
Imerslund-Grasbeck syndrome. Also called: ENTEROCYTE COBALAMIN MALABSORPTION; ENTEROCYTE INTRINSIC FACTOR RECEPTOR, DEFECT OF; Megaloblastic anemia due to inborn errors of metabolism; PERNICIOUS ANEMIA, JUVENILE, DUE TO SELECTIVE INTESTINAL MALABSORPTION OF VITAMIN B12, WITH PROTEINURIA; Imerslund-Gräsbeck syndrome. Identifiers: Orphanet 35858, MedGen C4551825, MONDO:0009853.

Allele frequency attached by ClinVar (database versions not stated): gnomAD exomes 0.00026 and 0.00068; ExAC 0.00074; 1000 Genomes Project 0.00120; 1000 Genomes Project 30x 0.00125; gnomAD 0.00250 and 0.00271; ESP Exome Variant Server 0.00277; TOPMed 0.00303.
gnomAD v4.1: 785 of 1,611,760 alleles (0.049%); highest among the groups gnomAD compares: African/African-American, 0.88%; 3 homozygotes.

Submissions (3):

Labcorp Genetics (formerly Invitae), Labcorp
Classification: Benign for Imerslund-Grasbeck syndrome. Last evaluated: 2025-10-24. Review status: criteria provided, single submitter. Criteria: Invitae Variant Classification Sherloc (09022015). Collection method: clinical testing. Allele origin: germline.

Blueprint Genetics
Classification: Likely benign. Last evaluated: 2024-08-26. Review status: criteria provided, single submitter. Criteria: ACMG Guidelines, 2015. Collection method: clinical testing. Allele origin: germline.

GeneDx
Classification: Likely benign. Last evaluated: 2020-03-31. Review status: criteria provided, single submitter. Criteria: GeneDx Variant Classification Process June 2021. Collection method: clinical testing. Allele origin: germline. Affected: yes.
Comment: See Variant Classification Assertion Criteria.

NM_001081.4(CUBN):c.10033-17C>T

Gene: CUBN (cubilin; minus strand). Cytogenetic location: 10p13.
Variant type: single nucleotide variant.
Coding change: c.10033-17C>T on transcript NM_001081.4 (MANE Select); 17 bases into the intron before coding-DNA position 10033, C replaced by T.
Molecular consequence: intron variant.
Genome position (GRCh38, 1-based): chr10:16,836,399, G>A on the plus strand (C>T on the coding strand, the complement: CUBN is on the minus strand). VCF-style: chr10-16836399-G-A. GRCh37 (hg19) VCF-style: chr10-16878398-G-A.
Identifiers: ClinVar variation 1600064 (VCV001600064.12), dbSNP rs188241873, ClinGen allele CA5422500.